The following is an entry in ClinVar:

NM_000512.5(GALNS):c.648_649insTGTGGCTCTCTCCATAGGAAGCCCTGGACTCCT (p.Phe216_Ile217insCysGlySerLeuHisArgLysProTrpThrPro)

Gene: GALNS (galactosamine (N-acetyl)-6-sulfatase; minus strand). Cytogenetic location: 16q24.3.
Variant type: Insertion.
Coding change: c.648_649insTGTGGCTCTCTCCATAGGAAGCCCTGGACTCCT on transcript NM_000512.5 (MANE Select); coding-DNA positions 648 to 649, TGTGGCTCTCTCCATAGGAAGCCCTGGACTCCT inserted.
Protein change: p.Phe216_Ile217insCysGlySerLeuHisArgLysProTrpThrPro.
Molecular consequence: inframe insertion.
Genome position: GRCh38: chr16:88,835,834-88,835,835. GRCh37 (hg19): chr16:88,902,242-88,902,243.
Other names: p.Phe216_Ile217insCysGlySerLeuHisArgLysProTrpThrPro; c.93_94insTGTGGCTCTCTCCATAGGAAGCCCTGGACTCCT, p.Phe31_Ile32insCysGlySerLeuHisArgLysProTrpThrPro (NM_001323543.2); c.666_667insTGTGGCTCTCTCCATAGGAAGCCCTGGACTCCT, p.Phe222_Ile223insCysGlySerLeuHisArgLysProTrpThrPro (NM_001323544.2).
Identifiers: ClinVar variation 3338288 (VCV003338288.2).
Genomic context (GRCh38, chr16:88,835,834, plus strand): 5'-CGTGCGTGGCGTCGACAGCCCAGTAGAGGAAAAAGGGGTGGTGCCGTGCCTGTCTCTTAA[T>TAGGAGTCCAGGGCTTCCTATGGAGAGAGCCACA]GAAGTCCAGGGCTTCCTATGGAGAGAGCCACACCGTCGTCCTCCAGCCTCAGGCCGACCT-3'

ClinVar aggregate classification (germline): Likely pathogenic (1 of 4 stars; one submission).

Conditions:
Mucopolysaccharidosis, MPS-IV-A (MPS4A). Also called: Morquio syndrome A, mild; MORQUIO SYNDROME A; GALACTOSAMINE-6-SULFATASE DEFICIENCY; GALNS DEFICIENCY; MORQUIO A DISEASE; MPS IVA. Identifiers: Orphanet 309297, Orphanet 582, MedGen C0086651, MONDO:0009659, OMIM 253000.

Submission:

Molecular Genetics and NGS Laboratory, Hospital Fundacion Valle Del Lili
Classification: Likely pathogenic for Mucopolysaccharidosis, MPS-IV-A. Last evaluated: 2024-08-14. Review status: criteria provided, single submitter. Criteria: ACMG Guidelines, 2015. Collection method: clinical testing. Allele origin: germline. Affected: yes. Observed: 1 variant allele.
Comment: Hot-spot of length 17 amino-acids has 8 missense/in-frame variants (4 pathogenic variants, 4 uncertain variants and no benign), which qualifies as strong pathogenic.UniProt protein GALNS_HUMAN region of interest has 364 missense/in-frame variants (129 pathogenic variants, 228 uncertain variants, which qualifies as strong pathogenic (PM1). Protein coding length changes as a result of in frame variant in gene GALNS, and this variant is not located in a repeat region (PM4). Variant not found in gnomAD genomes. Variant not found in gnomAD exomes. The position is not conserved (BP4).